The following is an entry in ClinVar:

ClinVar aggregate classification (germline): Pathogenic (1 of 4 stars; one submission).

Conditions:
Duchenne muscular dystrophy (DMD). Also called: Duchenne Muscular Dystrophy (DMD); MUSCULAR DYSTROPHY, PSEUDOHYPERTROPHIC PROGRESSIVE, DUCHENNE TYPE. Identifiers: Orphanet 98896, MedGen C0013264, MONDO:0010679, OMIM 310200.

Submission:

Labcorp Genetics (formerly Invitae), Labcorp
Classification: Pathogenic for Duchenne muscular dystrophy. Last evaluated: 2021-12-27. Review status: criteria provided, single submitter. Criteria: Invitae Variant Classification Sherloc (09022015). Collection method: clinical testing. Allele origin: germline.
Comment: For these reasons, this variant has been classified as Pathogenic. This variant disrupts a region of the DMD protein in which other variant(s) (Deletion Exon 49) have been determined to be pathogenic (PMID: 9619643, 14977063). This suggests that this is a clinically significant region of the protein, and that variants that disrupt it are likely to be disease-causing. A similar copy number variant has been observed in individuals with DMD-related conditions (PMID: 22776072, 31705731). This variant is a gross deletion of the genomic region encompassing exon(s) 3-49 of the DMD gene. This variant would be expected to be in-frame, preserving the integrity of the reading frame.

Literature cited by the submitters: PubMed 9619643; PubMed 14977063; PubMed 22776072; PubMed 31705731.

NC_000023.10:g.(?_31854815)_(32867957_?)del

Gene: DMD (dystrophin; minus strand). Cytogenetic location: Xp21.1.
Variant type: Deletion.
Identifiers: ClinVar variation 2424908 (VCV002424908.5).